The following is an entry in ClinVar:

NM_001361.5(DHODH):c.1020C>T (p.Asp340=)

Genes: DHODH (dihydroorotate dehydrogenase (quinone); plus strand), LOC126862390 (MED14-independent group 3 enhancer GRCh37_chr16:72057307-72058506; plus strand). Cytogenetic location: 16q22.2.
Variant type: single nucleotide variant.
Coding change: c.1020C>T on transcript NM_001361.5 (MANE Select); coding-DNA position 1020, C replaced by T.
Protein change: p.Asp340=; no amino-acid change (aspartic acid 340 retained).
Molecular consequence: synonymous variant.
Genome position (GRCh38, 1-based): chr16:72,023,520, C>T. VCF-style: chr16-72023520-C-T. GRCh37 (hg19) VCF-style: chr16-72057419-C-T.
Identifiers: ClinVar variation 769423 (VCV000769423.14), dbSNP rs199666119, ClinGen allele CA8158839.
Genomic context (GRCh38, chr16:72,023,520, plus strand): 5'-GTGCTTCTCTGTAGGCCGAGTTCCCATAATTGGGGTTGGTGGTGTGAGCAGCGGGCAGGA[C>T]GCGCTGGAGAAGATCCGGGCAGGGGCCTCCCTGGTGCAGCTGTACACGGCCCTCACCTTC-3'
Protein context (NP_001352.2, residues 330-350): IGVGGVSSGQ[Asp340=]ALEKIRAGAS

ClinVar aggregate classification (germline): Conflicting classifications of pathogenicity. Review status: criteria provided, conflicting classifications (1 of 4 stars). 4 submissions from 4 submitters: Uncertain significance (1); Likely benign (2). 1 of the submissions does not count toward it. Last evaluated 2025-03-18.

Conditions:
DHODH-related disorder. Also called: DHODH-related condition.
Miller syndrome (POADS). Also called: GENEE-WIEDEMANN SYNDROME; Genee-Wiedemann acrofacial dysostosis. Identifiers: Orphanet 246, MedGen C0265257, MONDO:0009903, OMIM 263750.

Allele frequency attached by ClinVar (database versions not stated): gnomAD 0.00003 and 0.00004; ExAC 0.00008; ESP Exome Variant Server 0.00008; gnomAD exomes 0.00008; TOPMed 0.00008.
gnomAD v4.1: 125 of 1,613,958 alleles (0.0077%); highest among the groups gnomAD compares: Middle Eastern, 0.13%; no homozygotes.

Submissions (4):

Labcorp Genetics (formerly Invitae), Labcorp
Classification: Likely benign. Last evaluated: 2025-03-18. Review status: criteria provided, single submitter. Criteria: Invitae Variant Classification Sherloc (09022015). Collection method: clinical testing. Allele origin: germline.

Blueprint Genetics
Classification: Likely benign. Last evaluated: 2024-11-14. Review status: criteria provided, single submitter. Criteria: ACMG Guidelines, 2015. Collection method: clinical testing. Allele origin: germline.

Illumina Laboratory Services, Illumina
Classification: Uncertain significance for Miller syndrome. Last evaluated: 2018-01-13. Review status: criteria provided, single submitter. Criteria: ICSL Variant Classification Criteria 13 December 2019. Collection method: clinical testing. Allele origin: germline.

PreventionGenetics, part of Exact Sciences
Classification: Likely benign for DHODH-related condition. Last evaluated: 2021-04-01. Review status: no assertion criteria provided. Collection method: clinical testing. Allele origin: germline. Not counted in ClinVar's aggregate classification.
Comment: This variant is classified as likely benign based on ACMG/AMP sequence variant interpretation guidelines (Richards et al. 2015 PMID: 25741868, with internal and published modifications).